The following is an entry in ClinVar:

ClinVar aggregate classification (germline): Pathogenic/Likely pathogenic. Review status: criteria provided, multiple submitters, no conflicts (2 of 4 stars). 2 submissions from 2 submitters: Pathogenic (1); Likely pathogenic (1). Last evaluated 2019-04-17.

Conditions:
Phelan-McDermid syndrome. Also called: TELOMERIC 22q13 MONOSOMY SYNDROME; 22q13.3 deletion syndrome; Phelan-McDermid Syndrome-SHANK3 Related. Identifiers: Orphanet 48652, MedGen C1853490, MONDO:0011652, OMIM 606232.
Intellectual disability. Also called: Intellectual developmental disorder; Intellectual functioning disability; intellectual disabilities. Identifiers: MedGen C3714756, MeSH D008607, MONDO:0001071, HP:0001249.

Submissions (2):

Cambridge Genomics Laboratory, East Genomic Laboratory Hub, NHS Genomic Medicine Service
Classification: Likely pathogenic for Intellectual disability. Last evaluated: 2019-04-17. Review status: criteria provided, single submitter. Criteria: ACGS Best Practice Guidelines for Variant Classification in Rare Disease 2020. Collection method: clinical testing. Allele origin: germline. Affected: yes. Observed: 1 variant allele.

Illumina Laboratory Services, Illumina
Classification: Pathogenic for Phelan-McDermid syndrome. Last evaluated: 2018-10-31. Review status: criteria provided, single submitter. Criteria: ICSLVariantClassificationCriteria RUGD 01 April 2020. Collection method: clinical testing. Allele origin: unknown.
Comment: The SHANK3 c.4478_4479delTG p.(Val1493ArgfsTer36) variant causes a shift in the protein reading frame that is predicted to result in premature termination of the protein. Loss of normal protein function through either protein truncation or nonsense-mediated mRNA decay is expected To our knowledge, this variant has not been reported in the peer-reviewed literature. This variant is not observed in version 2.1.1 of the Genome Aggregation Database. Based on the available evidence, the c.4478_4479delTG p.(Val1493ArgfsTer36) variant is classified as pathogenic for Phelan-McDermid syndrome.

NM_001372044.2(SHANK3):c.4703_4704del (p.Val1568fs)

Gene: SHANK3 (SH3 and multiple ankyrin repeat domains 3; plus strand). Cytogenetic location: 22q13.33.
Variant type: Microsatellite.
Coding change: c.4703_4704del on transcript NM_001372044.2 (MANE Select); coding-DNA positions 4703 to 4704, 2 bases deleted (TG; older notation c.4703_4704delTG).
Protein change: p.Val1568fs; shifts the reading frame from valine 1568.
Molecular consequence: frameshift variant.
Genome position (GRCh38, 1-based): chr22:50,722,311-50,722,312, TG deleted; deleting any 2 consecutive bases within chr22:50,722,309-50,722,312 gives the same sequence; the c. name uses the placement nearest the transcript's 3' end. VCF-style (leftmost placement, unchanged base first): chr22-50722308-CTG-C. GRCh37 (hg19) VCF-style: chr22-51160736-CTG-C.
Other names: c.4476_4477TG[1], p.Val1493Aspfs (NM_033517.1); short protein forms V1568fs.
Identifiers: ClinVar variation 3062044 (VCV003062044.2), dbSNP rs2518430518, ClinGen allele CA2740092008.